The following is an entry in ClinVar:

ClinVar aggregate classification (germline): Likely pathogenic (1 of 4 stars; one submission).

Conditions:
BAP1-related tumor predisposition syndrome (TPDS1). Also called: Tumor susceptibility linked to germline BAP1 mutations; COMMON Syndrome; TUMOR PREDISPOSITION SYNDROME 1; BAP1 tumor predisposition syndrome. Identifiers: Orphanet 289539, MedGen C3280492, MONDO:0013692, OMIM 614327.

Submission:

Myriad Genetics, Inc.
Classification: Likely pathogenic for BAP1-related tumor predisposition syndrome. Last evaluated: 2025-08-27. Review status: criteria provided, single submitter. Criteria: Myriad Autosomal Dominant, Autosomal Recessive and X-Linked Classification Criteria (2023). Collection method: clinical testing. Allele origin: unknown.
Comment: This variant is considered likely pathogenic. Functional studies indicate this variant impacts protein function [PMID: 38969833]. This variant is expected to disrupt protein structure [Myriad internal data].

Literature cited by the submitters: PubMed 38969833.

NM_004656.4(BAP1):c.586T>C (p.Trp196Arg)

Gene: BAP1 (BRCA1 associated deubiquitinase 1; minus strand). Cytogenetic location: 3p21.1.
Variant type: single nucleotide variant.
Coding change: c.586T>C on transcript NM_004656.4 (MANE Select); coding-DNA position 586, T replaced by C.
Protein change: p.Trp196Arg; replaces tryptophan 196 with arginine.
Molecular consequence: missense variant.
Genome position (GRCh38, 1-based): chr3:52,406,902, A>G on the plus strand (T>C on the coding strand, the complement: BAP1 is on the minus strand). VCF-style: chr3-52406902-A-G. GRCh37 (hg19) VCF-style: chr3-52440918-A-G.
Other names: c.586T>C, p.Trp196Arg (NM_001410772.1); short protein forms W196R.
Identifiers: ClinVar variation 4294247 (VCV004294247.1).